The following is an entry in ClinVar:

NM_001844.5(COL2A1):c.2715dup (p.Gly906fs)

Gene: COL2A1 (collagen type II alpha 1 chain; minus strand). Cytogenetic location: 12q13.11.
Variant type: Duplication.
Coding change: c.2715dup on transcript NM_001844.5 (MANE Select); coding-DNA position 2715, one base duplicated (T; older notation c.2715dupT).
Protein change: p.Gly906fs; shifts the reading frame from glycine 906.
Molecular consequence: frameshift variant.
Genome position (GRCh38, 1-based): chr12:47,979,529, A duplicated on the plus strand (T on the coding strand, the reverse complement: COL2A1 is on the minus strand); the first of 2 consecutive A bases (chr12:47,979,529-47,979,530); duplicating either gives the same sequence. VCF-style (leftmost placement, unchanged base first): chr12-47979528-C-CA. GRCh37 (hg19) VCF-style: chr12-48373311-C-CA.
Other names: c.2508dup, p.Gly837fs (NM_033150.3); short protein forms G837fs, G906fs.
Identifiers: ClinVar variation 3340573 (VCV003340573.1).
Genomic context (GRCh38, chr12:47,979,528, plus strand): 5'-TTCCATGCCTGCCTGTGCCTCTCATGCCAGGAGCATCACTTACATTGGAGCCTGGGGGTC[C>CA]AACGCGGCCAGCAGCTCCAGGGAATCCAGTGGCTCCCTGTGTGGGGAGAGGAGAGCCCCT-3'

ClinVar aggregate classification (germline): Pathogenic (1 of 4 stars; one submission).

Submission:

GeneDx
Classification: Pathogenic. Last evaluated: 2023-10-31. Review status: criteria provided, single submitter. Criteria: GeneDx Variant Classification Process June 2021. Collection method: clinical testing. Allele origin: germline. Affected: yes.
Comment: Frameshift variant predicted to result in protein truncation or nonsense mediated decay in a gene for which loss of function is a known mechanism of disease; Not observed at significant frequency in large population cohorts (gnomAD); This variant is associated with the following publications: (PMID: 20179744)